The following is an entry in ClinVar:

ClinVar aggregate classification (germline): Uncertain significance (1 of 4 stars; one submission).

Conditions:
Emery-Dreifuss muscular dystrophy 4, autosomal dominant (EDMD4). Also called: EMERY-DREIFUSS MUSCULAR DYSTROPHY 4 WITH VARIABLE FEATURES. Identifiers: Orphanet 261, MedGen C2751807, MONDO:0013071, OMIM 612998.
Autosomal recessive ataxia, Beauce type. Also called: SYNE1-Related Autosomal Recessive Cerebellar Ataxia; Spinocerebellar ataxia, autosomal recessive 8; ATAXIA, RECESSIVE, OF BEAUCE; SYNE1 Deficiency. Identifiers: Orphanet 88644, MedGen C1853116, MONDO:0012549, OMIM 610743.

Submission:

Labcorp Genetics (formerly Invitae), Labcorp
Classification: Uncertain significance for Emery-Dreifuss muscular dystrophy 4, autosomal dominant; Autosomal recessive ataxia, Beauce type. Last evaluated: 2022-06-20. Review status: criteria provided, single submitter. Criteria: Invitae Variant Classification Sherloc (09022015). Collection method: clinical testing. Allele origin: germline.
Comment: In summary, the available evidence is currently insufficient to determine the role of this variant in disease. Therefore, it has been classified as a Variant of Uncertain Significance. Algorithms developed to predict the effect of missense changes on protein structure and function are either unavailable or do not agree on the potential impact of this missense change (SIFT: "Deleterious"; PolyPhen-2: "Benign"; Align-GVGD: "Class C15"). This variant has not been reported in the literature in individuals affected with SYNE1-related conditions. This variant is not present in population databases (gnomAD no frequency). This sequence change replaces arginine, which is basic and polar, with serine, which is neutral and polar, at codon 6474 of the SYNE1 protein (p.Arg6474Ser).

NM_182961.4(SYNE1):c.19635G>C (p.Arg6545Ser)

Gene: SYNE1 (spectrin repeat containing nuclear envelope protein 1; minus strand). Cytogenetic location: 6q25.2.
Variant type: single nucleotide variant.
Coding change: c.19635G>C on transcript NM_182961.4 (MANE Select); coding-DNA position 19635, G replaced by C.
Protein change: p.Arg6545Ser; replaces arginine 6545 with serine.
Molecular consequence: missense variant.
Genome position (GRCh38, 1-based): chr6:152,244,594, C>G on the plus strand (G>C on the coding strand, the complement: SYNE1 is on the minus strand). VCF-style: chr6-152244594-C-G. GRCh37 (hg19) VCF-style: chr6-152565729-C-G.
Other names: c.19422G>C, p.Arg6474Ser (NM_033071.5); short protein forms R6545S, R6474S.
Identifiers: ClinVar variation 1380373 (VCV001380373.6), dbSNP rs147143947, ClinGen allele CA150197764.